The following is an entry in ClinVar:

ClinVar aggregate classification (germline): Uncertain significance (1 of 4 stars; one submission).

Conditions:
Lethal multiple pterygium syndrome (LMPS). Identifiers: Orphanet 33108, MedGen C1854678, MONDO:0009668, OMIM 253290.

gnomAD v4.1: 5 of 1,614,012 alleles (0.00031%); highest among the groups gnomAD compares: South Asian, 0.0055%; no homozygotes.

Submission:

Labcorp Genetics (formerly Invitae), Labcorp
Classification: Uncertain significance for Lethal multiple pterygium syndrome. Last evaluated: 2024-07-06. Review status: criteria provided, single submitter. Criteria: Invitae Variant Classification Sherloc (09022015). Collection method: clinical testing. Allele origin: germline.
Comment: This sequence change replaces valine, which is neutral and non-polar, with glutamic acid, which is acidic and polar, at codon 39 of the CHRNA1 protein (p.Val39Glu). This variant is not present in population databases (gnomAD no frequency). This variant has not been reported in the literature in individuals affected with CHRNA1-related conditions. Advanced modeling of protein sequence and biophysical properties (such as structural, functional, and spatial information, amino acid conservation, physicochemical variation, residue mobility, and thermodynamic stability) performed at Invitae indicates that this missense variant is not expected to disrupt CHRNA1 protein function with a negative predictive value of 80%. In summary, the available evidence is currently insufficient to determine the role of this variant in disease. Therefore, it has been classified as a Variant of Uncertain Significance.

NM_000079.4(CHRNA1):c.116T>A (p.Val39Glu)

Gene: CHRNA1 (cholinergic receptor nicotinic alpha 1 subunit; minus strand). Cytogenetic location: 2q31.1.
Variant type: single nucleotide variant.
Coding change: c.116T>A on transcript NM_000079.4 (MANE Select); coding-DNA position 116, T replaced by A.
Protein change: p.Val39Glu; replaces valine 39 with glutamic acid.
Molecular consequence: missense variant.
Genome position (GRCh38, 1-based): chr2:174,759,561, A>T on the plus strand (T>A on the coding strand, the complement: CHRNA1 is on the minus strand). VCF-style: chr2-174759561-A-T. GRCh37 (hg19) VCF-style: chr2-175624289-A-T.
Other names: c.116T>A, p.Val39Glu (NM_001039523.3); short protein forms V39E.
Identifiers: ClinVar variation 3713207 (VCV003713207.2).